The following is an entry in ClinVar:

NM_001875.5(CPS1):c.2533_2534del (p.Glu845fs)

Gene: CPS1 (carbamoyl-phosphate synthase 1; plus strand). Cytogenetic location: 2q34.
Variant type: Deletion.
Coding change: c.2533_2534del on transcript NM_001875.5 (MANE Select); coding-DNA positions 2533 to 2534, 2 bases deleted (GA; older notation c.2533_2534delGA).
Protein change: p.Glu845fs; shifts the reading frame from glutamic acid 845.
Molecular consequence: frameshift variant. On other transcripts: non-coding transcript variant (2).
Genome position (GRCh38, 1-based): chr2:210,612,258-210,612,259, GA deleted. VCF-style (leftmost placement, unchanged base first): chr2-210612257-TGA-T. GRCh37 (hg19) VCF-style: chr2-211476981-TGA-T.
Other names: c.2533_2534del, p.Glu845fs (NM_001122633.3, NM_001369257.1); c.2566_2567del, p.Glu856fs (NM_001369256.1); short protein forms E845fs, E856fs.
Identifiers: ClinVar variation 1724070 (VCV001724070.2), dbSNP rs2469186938, ClinGen allele CA2580065553.

ClinVar aggregate classification (germline): Likely pathogenic (1 of 4 stars; one submission).

Conditions:
Congenital hyperammonemia, type I. Also called: Carbamoyl phosphate synthetase 1 deficiency; Hyperammonemia due to carbamoyl phosphate synthetase 1 deficiency; CPS 1 deficiency; Carbamyl phosphate synthetase (CPS) deficiency; CPS I DEFICIENCY; Carbamoyl-phosphate synthase I deficiency. Identifiers: Orphanet 147, MedGen C4082171, MONDO:0009376, OMIM 237300.

Submission:

Myriad Genetics, Inc.
Classification: Likely pathogenic for Congenital hyperammonemia, type I. Last evaluated: 2022-01-24. Review status: criteria provided, single submitter. Criteria: Myriad Women's Health Autosomal Recessive and X-Linked Classification Criteria (2021). Collection method: clinical testing. Allele origin: unknown.
Comment: NM_001875.4(CPS1):c.2533_2534delGA(E845Tfs*14) is expected to be pathogenic in the context of carbamoylphosphate synthetase I deficiency. This variant is predicted to lead to an abnormal or absent protein product due to the creation of a premature termination codon in CPS1, a gene where loss-of-function variants are known to be pathogenic. Please note: this variant was assessed in the context of healthy population screening.